The following is an entry in ClinVar:

NM_001356.5(DDX3X):c.827G>A (p.Arg276Lys)

Gene: DDX3X (DEAD-box helicase 3 X-linked; plus strand). Cytogenetic location: Xp11.4.
Variant type: single nucleotide variant.
Coding change: c.827G>A on transcript NM_001356.5 (MANE Select); coding-DNA position 827, G replaced by A.
Protein change: p.Arg276Lys; replaces arginine 276 with lysine.
Molecular consequence: missense variant. On other transcripts: non-coding transcript variant (1).
Genome position (GRCh38, 1-based): chrX:41,344,091, G>A. VCF-style: chrX-41344091-G-A. GRCh37 (hg19) VCF-style: chrX-41203344-G-A.
Other names: c.827G>A, p.Arg276Lys (NM_001193416.3); c.779G>A, p.Arg260Lys (NM_001193417.3); c.269G>A, p.Arg90Lys (NM_001363819.1); short protein forms R260K, R276K, R90K.
Identifiers: ClinVar variation 4530077 (VCV004530077.1).

ClinVar aggregate classification (somatic clinical impact): Tier I - Strong (1 of 4 stars; one submission).

Conditions:
Medulloblastoma WNT activated. Identifiers: MedGen C4331965, MONDO:0850196.

Submission:

Institute for Genomic Medicine (IGM) Clinical Laboratory, Nationwide Children's Hospital
Classification: Tier I - Strong for Medulloblastoma WNT activated. Assertion type: diagnostic. Clinical significance: supports diagnosis. Last evaluated: 2024-09-11. Review status: criteria provided, single submitter. Criteria: AMP/ASCO/CAP Guidelines, 2017. Collection method: clinical testing. Allele origin: somatic. Affected: yes.
Comment: Variant has Tier I (strong) clinical significance as a diagnostic inclusion criterion in medulloblastoma WNT activated, based on the following evidence: 1) Documented in one or more cancer databases (e.g., St. Jude Pecan, COSMIC, CIViC, OncoKB). 2) Appears in one or more well-established professional guidelines (e.g., World Health Organization [WHO]; National Comprehensive Cancer Network [NCCN]) as providing diagnostic, prognostic, or therapeutic information. 3) Information in the literature supports potential biologic effect of variant (PMIDs: 38057330, 26598523). 4) Diagnostic for a specific tumor type/classification based on well-powered studies with expert-level consensus (Evidence Level B; PMIDs: 22832583, 22722829, 28726821, 22820256).

Literature cited by the submitters: PubMed 38057330; PubMed 26598523; PubMed 22832583; PubMed 22722829; PubMed 28726821; PubMed 22820256.